The following is an entry in ClinVar:

NM_000489.6(ATRX):c.259A>G (p.Thr87Ala)

Gene: ATRX (ATRX chromatin remodeler; minus strand). Cytogenetic location: Xq21.1.
Variant type: single nucleotide variant.
Coding change: c.259A>G on transcript NM_000489.6 (MANE Select); coding-DNA position 259, A replaced by G.
Protein change: p.Thr87Ala; replaces threonine 87 with alanine.
Molecular consequence: missense variant.
Genome position (GRCh38, 1-based): chrX:77,696,688, T>C on the plus strand (A>G on the coding strand, the complement: ATRX is on the minus strand). VCF-style: chrX-77696688-T-C. GRCh37 (hg19) VCF-style: chrX-76952176-T-C.
Other names: c.259A>G, p.Thr87Ala (NM_138270.5); short protein forms T87A.
Identifiers: ClinVar variation 449994 (VCV000449994.2), dbSNP rs1557150036, ClinGen allele CA413724159.
Genomic context (GRCh38, chrX:77,696,688, plus strand): 5'-CATCTTCATTTACAGTTTCATCATCCAAAGGTTTTTCATCATCTGATTCTACATACTTTG[T>C]TACAATTGAAGGTTTCCTATGAAAGAATTAAGTTCATAGAATTATGAATGTTTCTGACAA-3'
Protein context (NP_000480.3, residues 77-97): SRSKRKPSIV[Thr87Ala]KYVESDDEKP

ClinVar aggregate classification (germline): Uncertain significance (1 of 4 stars; one submission).

Allele frequency attached by ClinVar (database versions not stated): gnomAD exomes below 0.00001.
gnomAD v4.1: 1 of 1,199,569 alleles (0.000083%); highest among the groups gnomAD compares: Non-Finnish European, 0.00011%; no homozygotes.

Submission:

GeneDx
Classification: Uncertain significance. Last evaluated: 2017-06-14. Review status: criteria provided, single submitter. Criteria: GeneDx Variant Classification (06012015). Collection method: clinical testing. Allele origin: germline. Affected: yes.
Comment: The T87A variant in the ATRX gene has not been reported previously as a pathogenic variant, nor as a benign variant, to our knowledge. The T87A variant is not observed in large population cohorts (Lek et al., 2016; 1000 Genomes Consortium et al., 2015; Exome Variant Server). The T87A variant is a non-conservative amino acid substitution, which is likely to impact secondary protein structure as these residues differ in polarity, charge, size and/or other properties. This substitution occurs at a position that is conserved across species. In silico analysis is inconsistent in its predictions as to whether or not the variant is damaging to the protein structure/function. We interpret T87A as a variant of uncertain significance.